The following is an entry in ClinVar:

ClinVar aggregate classification (germline): Likely benign. Review status: criteria provided, single submitter (1 of 4 stars). 2 submissions from 2 submitters: Likely benign (1). 1 of the submissions does not count toward it. Last evaluated 2025-12-06.

Conditions:
ZCCHC8-related disorder. Also called: ZCCHC8-related condition.

Allele frequency attached by ClinVar (database versions not stated): gnomAD exomes 0.00002 and 0.00013; gnomAD 0.00004 and 0.00005; TOPMed 0.00014.
gnomAD v4.1: 34 of 1,542,494 alleles (0.0022%); highest among the groups gnomAD compares: Admixed American, 0.058%; no homozygotes.

Submissions (2):

Labcorp Genetics (formerly Invitae), Labcorp
Classification: Likely benign. Last evaluated: 2025-12-06. Review status: criteria provided, single submitter. Criteria: Invitae Variant Classification Sherloc (09022015). Collection method: clinical testing. Allele origin: germline.

PreventionGenetics, part of Exact Sciences
Classification: Likely benign for ZCCHC8-related condition. Last evaluated: 2023-05-08. Review status: no assertion criteria provided. Collection method: clinical testing. Allele origin: germline. Not counted in ClinVar's aggregate classification.
Comment: This variant is classified as likely benign based on ACMG/AMP sequence variant interpretation guidelines (Richards et al. 2015 PMID: 25741868, with internal and published modifications).

NM_017612.5(ZCCHC8):c.255G>A (p.Val85=)

Gene: ZCCHC8 (zinc finger CCHC-type containing 8; minus strand). Cytogenetic location: 12q24.31.
Variant type: single nucleotide variant.
Coding change: c.255G>A on transcript NM_017612.5 (MANE Select); coding-DNA position 255, G replaced by A.
Protein change: p.Val85=; no amino-acid change (valine 85 retained).
Molecular consequence: synonymous variant. On other transcripts: 5 prime UTR variant (3).
Genome position (GRCh38, 1-based): chr12:122,492,777, C>T on the plus strand (G>A on the coding strand, the complement: ZCCHC8 is on the minus strand). VCF-style: chr12-122492777-C-T. GRCh37 (hg19) VCF-style: chr12-122977324-C-T.
Other names: c.255G>A (NM_017612.4); c.255G>A, p.Val85= (NM_001350935.2); c.-43G>A (NM_001350936.2); c.-290G>A (NM_001350937.2); c.-184G>A (NM_001350938.2).
Identifiers: ClinVar variation 1659607 (VCV001659607.10), dbSNP rs1335492716, ClinGen allele CA482210081.